The following is an entry in ClinVar:

ClinVar aggregate classification (germline): Uncertain significance (1 of 4 stars; one submission).

Conditions:
Nephrolithiasis/nephrocalcinosis. Identifiers: MedGen CN580796.

Allele frequency attached by ClinVar (database versions not stated): gnomAD exomes below 0.00001.
gnomAD v4.1: 1 of 1,613,522 alleles (0.000062%); highest among the groups gnomAD compares: Non-Finnish European, 0.000085%; no homozygotes.

Submission:

Ambry Genetics
Classification: Uncertain significance for Nephrolithiasis/nephrocalcinosis. Last evaluated: 2020-09-29. Review status: criteria provided, single submitter. Criteria: Ambry Variant Classification Scheme 2023. Collection method: clinical testing. Allele origin: germline.
Comment: The p.Q735H variant (also known as c.2205G>C), located in coding exon 6 of the CASR gene, results from a G to C substitution at nucleotide position 2205. The glutamine at codon 735 is replaced by histidine, an amino acid with highly similar properties. This amino acid position is highly conserved in available vertebrate species. In addition, this alteration is predicted to be deleterious by in silico analysis. Since supporting evidence is limited at this time, the clinical significance of this alteration remains unclear.

NM_000388.4(CASR):c.2205G>C (p.Gln735His)

Gene: CASR (calcium sensing receptor; plus strand). Cytogenetic location: 3q21.1.
Variant type: single nucleotide variant.
Coding change: c.2205G>C on transcript NM_000388.4 (MANE Select); coding-DNA position 2205, G replaced by C.
Protein change: p.Gln735His; replaces glutamine 735 with histidine.
Molecular consequence: missense variant.
Genome position (GRCh38, 1-based): chr3:122,284,159, G>C. VCF-style: chr3-122284159-G-C. GRCh37 (hg19) VCF-style: chr3-122003006-G-C.
Other names: c.2235G>C, p.Gln745His (NM_001178065.2); short protein forms Q745H, Q735H.
Identifiers: ClinVar variation 1787684 (VCV001787684.2), dbSNP rs2473278642, ClinGen allele CA354159023.